The following is an entry in ClinVar:

NM_000135.4(FANCA):c.10T>A (p.Ser4Thr)

Genes: FANCA (FA complementation group A; minus strand), LOC112486223 (Sharpr-MPRA regulatory region 3988; plus strand). Cytogenetic location: 16q24.3.
Variant type: single nucleotide variant.
Coding change: c.10T>A on transcript NM_000135.4 (MANE Select); coding-DNA position 10, T replaced by A.
Protein change: p.Ser4Thr; replaces serine 4 with threonine.
Molecular consequence: missense variant.
Genome position (GRCh38, 1-based): chr16:89,816,606, A>T on the plus strand (T>A on the coding strand, the complement: FANCA is on the minus strand). VCF-style: chr16-89816606-A-T. GRCh37 (hg19) VCF-style: chr16-89883014-A-T.
Other names: c.10T>A, p.Ser4Thr (NM_001018112.3, NM_001286167.3, NM_001351830.2); short protein forms S4T.
Identifiers: ClinVar variation 3848018 (VCV003848018.1).
Genomic context (GRCh38, chr16:89,816,606, plus strand): 5'-CGGCCCAGGCCCTCCGGCGGCCCCCTGGGTCCTGGCCCGAGGCGGAGTTCGGGACCCACG[A>T]GTCGGACATGGCCTTGGCGCCTACAGCCCCGGCGGCGGCTCCCTGCGCCCGAGCCCGCGC-3'
Protein context (NP_000126.2, residues 1-14): MSD[Ser4Thr]WVPNSASGQD

ClinVar aggregate classification (germline): Uncertain significance (1 of 4 stars; one submission).

Conditions:
Inborn genetic diseases. Identifiers: MedGen C0950123, MeSH D030342.

Submission:

Ambry Genetics
Classification: Uncertain significance for Inborn genetic diseases. Last evaluated: 2024-12-14. Review status: criteria provided, single submitter. Criteria: Ambry Variant Classification Scheme 2023. Collection method: clinical testing. Allele origin: germline.
Comment: The p.S4T variant (also known as c.10T>A), located in coding exon 1 of the FANCA gene, results from a T to A substitution at nucleotide position 10. The serine at codon 4 is replaced by threonine, an amino acid with similar properties. This amino acid position is conserved. In addition, this alteration is predicted to be tolerated by in silico analysis. Based on the available evidence, the clinical significance of this variant remains unclear.